The following is an entry in ClinVar:

NM_001256317.3(TMPRSS3):c.1266C>T (p.Ile422=)

Gene: TMPRSS3 (transmembrane serine protease 3; minus strand). Cytogenetic location: 21q22.3.
Variant type: single nucleotide variant.
Coding change: c.1266C>T on transcript NM_001256317.3 (MANE Select); coding-DNA position 1266, C replaced by T.
Protein change: p.Ile422=; no amino-acid change (isoleucine 422 retained).
Molecular consequence: synonymous variant.
Genome position (GRCh38, 1-based): chr21:42,375,794, G>A on the plus strand (C>T on the coding strand, the complement: TMPRSS3 is on the minus strand). VCF-style: chr21-42375794-G-A. GRCh37 (hg19) VCF-style: chr21-43795903-G-A.
Other names: c.1269C>T, p.Ile423= (NM_024022.4); c.888C>T, p.Ile296= (NM_032404.3).
Identifiers: ClinVar variation 595601 (VCV000595601.13), dbSNP rs372469227, ClinGen allele CA10042264.

ClinVar aggregate classification (germline): Conflicting classifications of pathogenicity. Review status: criteria provided, conflicting classifications (1 of 4 stars). 3 submissions from 3 submitters: Uncertain significance (2); Likely benign (1). Last evaluated 2025-06-19.

Conditions:
Autosomal recessive nonsyndromic hearing loss 8 (DFNB8). Also called: Deafness, autosomal recessive 10; NEUROSENSORY NONSYNDROMIC RECESSIVE DEAFNESS 8. Identifiers: Orphanet 90636, MedGen C1832827, MONDO:0010987, OMIM 601072.

Allele frequency attached by ClinVar (database versions not stated): ExAC 0.00012; ESP Exome Variant Server 0.00015; 1000 Genomes Project 30x 0.00016; 1000 Genomes Project 0.00020; gnomAD 0.00003; TOPMed 0.00008; gnomAD exomes 0.00009.
gnomAD v4.1: 89 of 1,613,800 alleles (0.0055%); highest among the groups gnomAD compares: East Asian, 0.076%; no homozygotes.

Submissions (3):

Labcorp Genetics (formerly Invitae), Labcorp
Classification: Likely benign. Last evaluated: 2025-06-19. Review status: criteria provided, single submitter. Criteria: Invitae Variant Classification Sherloc (09022015). Collection method: clinical testing. Allele origin: germline.

Eurofins Ntd Llc (ga)
Classification: Uncertain significance. Last evaluated: 2018-01-12. Review status: criteria provided, single submitter. Criteria: EGL Classification Definitions 2015. Collection method: clinical testing. Allele origin: germline. Observed: 1 variant allele, 1 heterozygote.

Illumina Laboratory Services, Illumina
Classification: Uncertain significance for Autosomal recessive nonsyndromic hearing loss 8. Last evaluated: 2017-04-27. Review status: criteria provided, single submitter. Criteria: ICSL Variant Classification Criteria 13 December 2019. Collection method: clinical testing. Allele origin: germline.
Comment: This variant was observed as part of a predisposition screen in an ostensibly healthy population. A literature search was performed for the gene, cDNA change, and amino acid change (where applicable). Publications were found based on this search. However, the evidence from the literature, in combination with allele frequency data from public databases where available, was not sufficient to rule this variant in or out of causing disease. Therefore, this variant is classified as a variant of unknown significance.

Literature cited by the submitters: PubMed 22382023 (cited by Illumina Laboratory Services, Illumina).